The following is an entry in ClinVar:

NC_000009.11:g.(?_113547787)_(113548018_?)del

Gene: MUSK (muscle associated receptor tyrosine kinase; plus strand). Cytogenetic location: 9q31.3.
Variant type: Deletion.
Identifiers: ClinVar variation 3245262 (VCV003245262.1).

ClinVar aggregate classification (germline): Pathogenic (1 of 4 stars; one submission).

Conditions:
Congenital myasthenic syndrome 9. Also called: Myasthenic syndrome, congenital, 9, associated with acetylcholine receptor deficiency. Identifiers: Orphanet 590, MedGen C4225368, MONDO:0014587, OMIM 616325.
Fetal akinesia deformation sequence 1 (FADS1). Also called: Pena-Shokeir syndrome type I; Fetal akinesia sequence. Identifiers: Orphanet 994, MedGen C1276035, MONDO:0100101, OMIM 208150, HP:0001989.

Submission:

Labcorp Genetics (formerly Invitae), Labcorp
Classification: Pathogenic for Congenital myasthenic syndrome 9; Fetal akinesia deformation sequence 1. Last evaluated: 2023-06-23. Review status: criteria provided, single submitter. Criteria: Invitae Variant Classification Sherloc (09022015). Collection method: clinical testing. Allele origin: unknown.
Comment: For these reasons, this variant has been classified as Pathogenic. This variant disrupts a region of the MUSK protein in which other variant(s) (p.Ile575Thr) have been determined to be pathogenic (PMID: 25537362, 31974414). This suggests that this is a clinically significant region of the protein, and that variants that disrupt it are likely to be disease-causing. This variant has not been reported in the literature in individuals affected with MUSK-related conditions. This variant is a gross deletion of the genomic region encompassing exon(s) 13 of the MUSK gene. This variant would be expected to be in-frame, preserving the integrity of the reading frame.

Literature cited by the submitters: PubMed 25537362; PubMed 31974414.